The following is an entry in ClinVar:

NC_012920.1(MT-ND2):m.4935A>C

Gene: MT-ND2 (mitochondrially encoded NADH dehydrogenase 2; plus strand).
Variant type: single nucleotide variant.
Genome position: chrM-4935-A-C.
Identifiers: ClinVar variation 692522 (VCV000692522.1), dbSNP rs1603219678, ClinGen allele CA414778153.
Genomic context (GRCh38, chrMT:4,935, plus strand): 5'-CTAGCCCCCATCTCAATCATATACCAAATCTCTCCCTCACTAAACGTAAGCCTTCTCCTC[A>C]CTCTCTCAATCTTATCCATCATAGCAGGCAGTTGAGGTGGATTAAACCAAACCCAGCTAC-3'

ClinVar aggregate classification (germline): Uncertain significance (1 of 4 stars; one submission).

Conditions:
Leigh syndrome (NULS). Also called: Leigh's necrotizing encephalopathy; Leigh's disease; Leigh Syndrome (mtDNA deletion); Leigh Disease; Subacute necrotizing encephalopathy; Necrotizing encephalopathy infantile subacute of Leigh. Identifiers: Orphanet 506, MedGen C2931891, MONDO:0009723, OMIM 256000.

Submission:

Wong Mito Lab, Molecular and Human Genetics, Baylor College of Medicine
Classification: Uncertain significance for Leigh syndrome. Last evaluated: 2019-10-17. Review status: criteria provided, single submitter. Criteria: Modified ACMG Guidelines (Unpublished). Collection method: clinical testing. Allele origin: germline.
Comment: The NC_012920.1:m.4935A>C (YP_003024027.1:p.Thr156Pro) variant in MTND2 gene is interpretated to be a Uncertain Significance variant based on the modified ACMG guidelines (unpublished). This variant meets the following evidence codes: PP7